The following is an entry in ClinVar:

ClinVar aggregate classification (germline): Benign/Likely benign. Review status: criteria provided, multiple submitters, no conflicts (2 of 4 stars). 2 submissions from 2 submitters: Benign (1); Likely benign (1). Last evaluated 2024-10-01.

Conditions:
Familial cancer of breast. Also called: Hereditary breast cancer; hereditary breast carcinoma; BREAST CANCER, FAMILIAL. Identifiers: Orphanet 227535, MedGen C0346153, MONDO:0016419, OMIM 114480. Disease mechanism: loss of function.

Allele frequency attached by ClinVar (database versions not stated): TOPMed below 0.00001; gnomAD 0.00001.
gnomAD v4.1: 1 of 1,613,582 alleles (0.000062%); highest among the groups gnomAD compares: Non-Finnish European, 0.000085%; no homozygotes.

Submissions (2):

Myriad Genetics, Inc.
Classification: Benign for Familial cancer of breast. Last evaluated: 2024-10-01. Review status: criteria provided, single submitter. Criteria: Myriad Autosomal Dominant, Autosomal Recessive and X-Linked Classification Criteria (2023). Collection method: clinical testing. Allele origin: unknown.
Comment: This variant is considered benign. This variant is a silent/synonymous amino acid change and it is not expected to impact splicing.

Labcorp Genetics (formerly Invitae), Labcorp
Classification: Likely benign for Familial cancer of breast. Last evaluated: 2023-02-13. Review status: criteria provided, single submitter. Criteria: Invitae Variant Classification Sherloc (09022015). Collection method: clinical testing. Allele origin: germline.

NM_007194.4(CHEK2):c.30G>A (p.Gln10=)

Gene: CHEK2 (checkpoint kinase 2; minus strand). Cytogenetic location: 22q12.1.
Variant type: single nucleotide variant.
Coding change: c.30G>A on transcript NM_007194.4 (MANE Select); coding-DNA position 30, G replaced by A.
Protein change: p.Gln10=; no amino-acid change (glutamine 10 retained).
Molecular consequence: synonymous variant.
Genome position (GRCh38, 1-based): chr22:28,734,692, C>T on the plus strand (G>A on the coding strand, the complement: CHEK2 is on the minus strand). VCF-style: chr22-28734692-C-T. GRCh37 (hg19) VCF-style: chr22-29130680-C-T.
Other names: c.30G>A, p.Gln10= (NM_001005735.3, NM_001349956.3, NM_145862.3); c.-748G>A (NM_001257387.3).
Identifiers: ClinVar variation 1152106 (VCV001152106.11), dbSNP rs1330700030, ClinGen allele CA513946648.